The following is an entry in ClinVar:

ClinVar aggregate classification (germline): Pathogenic (1 of 4 stars; one submission).

gnomAD v4.1: 29 of 1,612,050 alleles (0.0018%); highest among the groups gnomAD compares: South Asian, 0.0044%; no homozygotes.

Submission:

Labcorp Genetics (formerly Invitae), Labcorp
Classification: Pathogenic. Last evaluated: 2025-10-08. Review status: criteria provided, single submitter. Criteria: Invitae Variant Classification Sherloc (09022015). Collection method: clinical testing. Allele origin: germline.
Comment: This sequence change replaces arginine, which is basic and polar, with histidine, which is basic and polar, at codon 71 of the TMTC3 protein (p.Arg71His). This variant is present in population databases (rs770896677, gnomAD 0.01%). This missense change has been observed in individual(s) with clinical features of TMTC3-related conditions (PMID: 28973161). In at least one individual the data is consistent with being in trans (on the opposite chromosome) from a pathogenic variant. It has also been observed to segregate with disease in related individuals. An algorithm developed to predict the effect of missense changes on protein structure and function (PolyPhen-2) suggests that this variant is likely to be disruptive. For these reasons, this variant has been classified as Pathogenic.

Literature cited by the submitters: PubMed 28973161.

NM_181783.4(TMTC3):c.212G>A (p.Arg71His)

Gene: TMTC3 (transmembrane O-mannosyltransferase targeting cadherins 3; plus strand). Cytogenetic location: 12q21.32.
Variant type: single nucleotide variant.
Coding change: c.212G>A on transcript NM_181783.4 (MANE Select); coding-DNA position 212, G replaced by A.
Protein change: p.Arg71His; replaces arginine 71 with histidine.
Molecular consequence: missense variant. On other transcripts: 5 prime UTR variant (1), non-coding transcript variant (1), intron variant (2).
Genome position (GRCh38, 1-based): chr12:88,153,313, G>A. VCF-style: chr12-88153313-G-A. GRCh37 (hg19) VCF-style: chr12-88547090-G-A.
Other names: c.32G>A, p.Arg11His (NM_001366574.1); c.-56G>A (NM_001366580.1); c.190-975G>A (NM_001366579.1); c.-285-975G>A (NM_001366583.1); short protein forms R11H, R71H.
Identifiers: ClinVar variation 4710001 (VCV004710001.1).
Genomic context (GRCh38, chr12:88,153,313, plus strand): 5'-AGGTACTTTAATAATCACTGATCGTTTTTTCCTTGTAGGAGAGAAGCCACAAGTCTTACC[G>A]TCCCTTAACAGTATTGACATTTCGCTTAAATTATTTGTTAAGTGAACTAAAACCAATGTC-3'
Protein context (NP_861448.2, residues 61-81): MSEERSHKSY[Arg71His]PLTVLTFRLN